The following is an entry in ClinVar:

NM_001106.4(ACVR2B):c.*6173A>C

Gene: ACVR2B (activin A receptor type 2B; plus strand). Cytogenetic location: 3p22.2.
Variant type: single nucleotide variant.
Coding change: c.*6173A>C on transcript NM_001106.4 (MANE Select); 6173 bases downstream of the stop codon, A replaced by C.
Molecular consequence: 3 prime UTR variant.
Genome position (GRCh38, 1-based): chr3:38,489,505, A>C. VCF-style: chr3-38489505-A-C. GRCh37 (hg19) VCF-style: chr3-38530996-A-C.
Identifiers: ClinVar variation 345009 (VCV000345009.5), dbSNP rs76892072, ClinGen allele CA10616272.

ClinVar aggregate classification (germline): Benign (1 of 4 stars; one submission).

Conditions:
Heterotaxy, visceral, 4, autosomal (HTX4). Identifiers: Orphanet 450, MedGen C3151057, MONDO:0013403, OMIM 613751.

Allele frequency attached by ClinVar (database versions not stated): 1000 Genomes Project 30x 0.00453; 1000 Genomes Project 0.00479; TOPMed 0.00737; gnomAD 0.00837 and 0.00862; gnomAD exomes 0.00917.
gnomAD v4.1: 1,268 of 152,696 alleles (0.83%); highest among the groups gnomAD compares: Non-Finnish European, 1.4%; 11 homozygotes.

Submission:

Illumina Laboratory Services, Illumina
Classification: Benign for Heterotaxy, visceral, 4, autosomal. Last evaluated: 2018-01-12. Review status: criteria provided, single submitter. Criteria: ICSL Variant Classification Criteria 13 December 2019. Collection method: clinical testing. Allele origin: germline.
Comment: This variant was observed in the ICSL laboratory as part of a predisposition screen in an ostensibly healthy population. It had not been previously curated by ICSL or reported in the Human Gene Mutation Database (HGMD: prior to June 1st, 2018), and was therefore a candidate for classification through an automated scoring system. Utilizing variant allele frequency, disease prevalence and penetrance estimates, and inheritance mode, an automated score was calculated to assess if this variant is too frequent to cause the disease. Based on the score and internal cut-off values, a variant classified as benign is not then subjected to further curation. The score for this variant resulted in a classification of benign for this disease.